The following is an entry in ClinVar:

ClinVar aggregate classification (germline): Benign. Review status: criteria provided, multiple submitters, no conflicts (2 of 4 stars). 3 submissions from 3 submitters: Benign (2). 1 of the submissions does not count toward it. Last evaluated 2014-05-27.

Allele frequency attached by ClinVar (database versions not stated): ESP Exome Variant Server 0.00031; TOPMed 0.00233; 1000 Genomes Project 30x 0.00453; 1000 Genomes Project 0.00479.
gnomAD v4.1: 1,506 of 1,613,902 alleles (0.093%); highest among the groups gnomAD compares: East Asian, 2.5%; 18 homozygotes.

Submissions (3):

GeneDx
Classification: Benign. Last evaluated: 2014-05-27. Review status: criteria provided, single submitter. Criteria: GeneDx Variant Classification (06012015). Collection method: clinical testing. Allele origin: germline. Affected: yes.
Comment: This variant is considered likely benign or benign based on one or more of the following criteria: it is a conservative change, it occurs at a poorly conserved position in the protein, it is predicted to be benign by multiple in silico algorithms, and/or has population frequency not consistent with disease.

Breakthrough Genomics
Classification: Benign. Review status: criteria provided, single submitter. Criteria: ACMG Guidelines, 2015. Collection method: not provided. Allele origin: germline. Inheritance: Unknown mechanism. Affected: yes.

Mayo Clinic Laboratories, Mayo Clinic
Classification: Benign. Last evaluated: 2017-12-28. Review status: no assertion criteria provided. Collection method: clinical testing. Allele origin: unknown. Not counted in ClinVar's aggregate classification.

NM_006351.4(TIMM44):c.544-9C>T

Gene: TIMM44 (translocase of inner mitochondrial membrane 44; minus strand). Cytogenetic location: 19p13.2.
Variant type: single nucleotide variant.
Coding change: c.544-9C>T on transcript NM_006351.4 (MANE Select); 9 bases into the intron before coding-DNA position 544, C replaced by T.
Molecular consequence: intron variant.
Genome position (GRCh38, 1-based): chr19:7,934,012, G>A on the plus strand (C>T on the coding strand, the complement: TIMM44 is on the minus strand). VCF-style: chr19-7934012-G-A. GRCh37 (hg19) VCF-style: chr19-7998897-G-A.
Identifiers: ClinVar variation 137641 (VCV000137641.6), dbSNP rs185667226, ClinGen allele CA291285.